The following is an entry in ClinVar:

ClinVar aggregate classification (germline): Uncertain significance (1 of 4 stars; one submission).

Conditions:
Progressive sclerosing poliodystrophy (MTDPS4A). Also called: Mitochondrial DNA depletion syndrome 4A (Alpers type); ALPERS PROGRESSIVE INFANTILE POLIODYSTROPHY; NEURONAL DEGENERATION OF CHILDHOOD WITH LIVER DISEASE, PROGRESSIVE; Mitochondrial DNA Depletion Syndrome 4A; Alpers-Huttenlocher Syndrome (AHS); Alpers Syndrome. Identifiers: Orphanet 726, MedGen C0205710, MONDO:0008758, OMIM 203700.

Allele frequency attached by ClinVar (database versions not stated): gnomAD exomes below 0.00001; TOPMed below 0.00001.
gnomAD v4.1: 1 of 1,613,926 alleles (0.000062%); highest among the groups gnomAD compares: African/African-American, 0.0013%; no homozygotes.

Submission:

Labcorp Genetics (formerly Invitae), Labcorp
Classification: Uncertain significance for Progressive sclerosing poliodystrophy. Last evaluated: 2022-02-19. Review status: criteria provided, single submitter. Criteria: Invitae Variant Classification Sherloc (09022015). Collection method: clinical testing. Allele origin: germline.
Comment: In summary, the available evidence is currently insufficient to determine the role of this variant in disease. Therefore, it has been classified as a Variant of Uncertain Significance. Algorithms developed to predict the effect of missense changes on protein structure and function (SIFT, PolyPhen-2, Align-GVGD) all suggest that this variant is likely to be tolerated. This variant has not been reported in the literature in individuals affected with POLG-related conditions. This variant is not present in population databases (gnomAD no frequency). This sequence change replaces serine, which is neutral and polar, with asparagine, which is neutral and polar, at codon 254 of the POLG protein (p.Ser254Asn).

NM_002693.3(POLG):c.761G>A (p.Ser254Asn)

Gene: POLG (DNA polymerase gamma, catalytic subunit; minus strand). Cytogenetic location: 15q26.1.
Variant type: single nucleotide variant.
Coding change: c.761G>A on transcript NM_002693.3 (MANE Select); coding-DNA position 761, G replaced by A.
Protein change: p.Ser254Asn; replaces serine 254 with asparagine.
Molecular consequence: missense variant.
Genome position (GRCh38, 1-based): chr15:89,330,175, C>T on the plus strand (G>A on the coding strand, the complement: POLG is on the minus strand). VCF-style: chr15-89330175-C-T. GRCh37 (hg19) VCF-style: chr15-89873406-C-T.
Other names: c.761G>A, p.Ser254Asn (NM_001126131.2); short protein forms S254N.
Identifiers: ClinVar variation 1473823 (VCV001473823.6), dbSNP rs2055575699, ClinGen allele CA393766974.